The following is an entry in ClinVar:

NM_001694.4(ATP6V0C):c.*136C>T

Gene: ATP6V0C (ATPase H+ transporting V0 subunit c; plus strand). Cytogenetic location: 16p13.3.
Variant type: single nucleotide variant.
Coding change: c.*136C>T on transcript NM_001694.4 (MANE Select); 136 bases downstream of the stop codon, C replaced by T.
Molecular consequence: 3 prime UTR variant.
Genome position (GRCh38, 1-based): chr16:2,519,881, C>T. VCF-style: chr16-2519881-C-T. GRCh37 (hg19) VCF-style: chr16-2569882-C-T.
Other names: c.*136C>T (NM_001198569.2).
Identifiers: ClinVar variation 4279566 (VCV004279566.1).

ClinVar aggregate classification (germline): Uncertain significance (1 of 4 stars; one submission).

Conditions:
Epilepsy, early-onset, 3, with or without developmental delay (EPEO3). Identifiers: MedGen C5882674, MONDO:0958196, OMIM 620465.

Submission:

Department of Paediatrics at Addenbrookes, Cambridge University Hospitals NHS Foundation Trust (UK)
Classification: Uncertain significance for Epilepsy, early-onset, 3, with or without developmental delay. Last evaluated: 2025-05-27. Review status: criteria provided, single submitter. Criteria: Durkie Uk Practice Guidelines For Variant Classification V12 2024 (1). Collection method: clinical testing. Allele origin: unknown.
Comment: PS2_Supporting; BP7_Supporting